The following is an entry in ClinVar:

NM_001111125.3(IQSEC2):c.2854C>G (p.Gln952Glu)

Gene: IQSEC2 (IQ motif and Sec7 domain ArfGEF 2; minus strand). Cytogenetic location: Xp11.22.
Variant type: single nucleotide variant.
Coding change: c.2854C>G on transcript NM_001111125.3 (MANE Select); coding-DNA position 2854, C replaced by G.
Protein change: p.Gln952Glu; replaces glutamine 952 with glutamic acid.
Molecular consequence: missense variant.
Genome position (GRCh38, 1-based): chrX:53,243,367, G>C on the plus strand (C>G on the coding strand, the complement: IQSEC2 is on the minus strand). VCF-style: chrX-53243367-G-C. GRCh37 (hg19) VCF-style: chrX-53272549-G-C.
Other names: c.2854C>G, p.Gln952Glu (NM_001410736.1, NM_001441092.1); c.2356C>G, p.Gln786Glu (NM_001441093.1); c.2143C>G, p.Gln715Glu (NM_001441094.1, NM_001441095.1); c.2239C>G, p.Gln747Glu (NM_015075.2); short protein forms Q786E, Q952E, Q747E, Q715E.
Identifiers: ClinVar variation 5008095 (VCV005008095.1).

ClinVar aggregate classification (germline): Uncertain significance (1 of 4 stars; one submission).

Submission:

GeneDx
Classification: Uncertain significance. Last evaluated: 2026-03-16. Review status: criteria provided, single submitter. Criteria: GeneDx Variant Classification Process June 2021. Collection method: clinical testing. Allele origin: germline.
Comment: Not observed at significant frequency in large population cohorts (gnomAD); In silico analysis suggests that this missense variant does not alter protein structure/function; Has not been previously published as pathogenic or benign to our knowledge; This variant is associated with the following publications: (PMID: 20473311)